The following is an entry in ClinVar:

NM_000888.5(ITGB6):c.129G>A (p.Trp43Ter)

Gene: ITGB6 (integrin subunit beta 6; minus strand). Cytogenetic location: 2q24.2.
Variant type: single nucleotide variant.
Coding change: c.129G>A on transcript NM_000888.5 (MANE Select); coding-DNA position 129, G replaced by A.
Protein change: p.Trp43Ter; replaces tryptophan 43 with a stop codon.
Molecular consequence: nonsense. On other transcripts: missense variant (1), intron variant (3).
Genome position (GRCh38, 1-based): chr2:160,199,191, C>T on the plus strand (G>A on the coding strand, the complement: ITGB6 is on the minus strand). VCF-style: chr2-160199191-C-T. GRCh37 (hg19) VCF-style: chr2-161055702-C-T.
Other names: c.129G>A, p.Trp43Ter (NM_001282353.2, NM_001282355.2); c.83G>A, p.Gly28Asp (NM_001282389.2); c.61+812G>A (NM_001282354.2); c.-101+812G>A (NM_001282390.2); c.15+812G>A (NM_001282388.2); short protein forms G28D, W43*.
Identifiers: ClinVar variation 1309333 (VCV001309333.4), dbSNP rs755330939, ClinGen allele CA1929618.
Genomic context (GRCh38, chr2:160,199,191, plus strand): 5'-TTTAACTGCAGACAGGTTTTAAAAACACATTGAGGTCATTTATTTTACCTCCTGAGCACA[C>T]CAGGCACACTGAGGTCCAATAAGCAGGCAGTCTTCACAGGTTTCTGCACCTCCCAGGGCA-3'

ClinVar aggregate classification (germline): Conflicting classifications of pathogenicity. Review status: criteria provided, conflicting classifications (1 of 4 stars). 2 submissions from 2 submitters: Likely pathogenic (1); Uncertain significance (1). Last evaluated 2024-11-29.

Conditions:
Amelogenesis imperfecta type 1H. Also called: Amelogenesis imperfecta, type IH. Identifiers: Orphanet 88661, MedGen C4015557, MONDO:0014540, OMIM 616221.

Allele frequency attached by ClinVar (database versions not stated): ExAC 0.00002; gnomAD exomes 0.00002; TOPMed 0.00002; gnomAD 0.00001.

Submissions (2):

Institute of Human Genetics, Heidelberg University
Classification: Likely pathogenic for Amelogenesis imperfecta type 1H. Last evaluated: 2024-11-29. Review status: criteria provided, single submitter. Criteria: ACMG Guidelines, 2015. Collection method: clinical testing. Allele origin: maternal. Affected: yes. Observed: 2 variant alleles.
Comment: PVS1_strong, PM2_supp

GeneDx
Classification: Uncertain significance. Last evaluated: 2019-11-05. Review status: criteria provided, single submitter. Criteria: GeneDx Variant Classification Process June 2021. Collection method: clinical testing. Allele origin: germline. Affected: yes.
Comment: Not observed at a significant frequency in large population cohorts (Lek et al., 2016); Nonsense variant predicted to result in protein truncation or nonsense mediated decay in a gene for which loss-of-function is not a known mechanism of disease; Has not been previously published as pathogenic or benign to our knowledge